The following is an entry in ClinVar:

ClinVar aggregate classification (germline): Likely pathogenic (1 of 4 stars; one submission).

Conditions:
Cortical dysplasia-focal epilepsy syndrome (PTHSL1). Also called: Pitt-Hopkins-like syndrome 1. Identifiers: Orphanet 163681, Orphanet 221150, MedGen C2750246, MONDO:0012400, OMIM 610042.

Submission:

St. Anna Children's Cancer Research Institute (CCRI)
Classification: Likely pathogenic for Cortical dysplasia-focal epilepsy syndrome. Last evaluated: 2023-02-08. Review status: criteria provided, single submitter. Criteria: ACMG Guidelines, 2015. Collection method: research. Allele origin: biparental. Inheritance: Autosomal recessive inheritance. Affected: yes.
Comment: ACMG classification of pathogenicity: PVS1, PM2, PM3 + supporting

NM_014141.6(CNTNAP2):c.3407_3411del (p.Tyr1136fs)

Gene: CNTNAP2 (contactin associated protein 2; plus strand). Cytogenetic location: 7q36.1.
Variant type: Deletion.
Coding change: c.3407_3411del on transcript NM_014141.6 (MANE Select); coding-DNA positions 3407 to 3411, 5 bases deleted (ACCAT; older notation c.3407_3411delACCAT).
Protein change: p.Tyr1136fs; shifts the reading frame from tyrosine 1136.
Molecular consequence: frameshift variant.
Genome position (GRCh38, 1-based): chr7:148,267,058-148,267,062, ACCAT deleted; deleting any 5 consecutive bases within chr7:148,267,057-148,267,062 gives the same sequence; the c. name uses the placement nearest the transcript's 3' end. VCF-style (leftmost placement, unchanged base first): chr7-148267056-TTACCA-T. GRCh37 (hg19) VCF-style: chr7-147964148-TTACCA-T.
Other names: short protein forms Y1136fs.
Identifiers: ClinVar variation 2429112 (VCV002429112.4), dbSNP rs2536697565, ClinGen allele CA2580077663.
Genomic context (GRCh38, chr7:148,267,056, plus strand): 5'-CGTGCTTCTAAAAGTGTCTCTTGTTTTCCTCCTGCAGCTCGATCATTATCCTTCTGTGAG[TTACCA>T]TCTGCCAAGTTCATCCGACACCCTCTTCAATTCTCCCAAGTCGCTCTTTCTGGGAAAAGT-3'